The following is an entry in ClinVar:

NM_206933.4(USH2A):c.6949G>C (p.Gly2317Arg)

Gene: USH2A (usherin; minus strand). Cytogenetic location: 1q41.
Variant type: single nucleotide variant.
Coding change: c.6949G>C on transcript NM_206933.4 (MANE Select); coding-DNA position 6949, G replaced by C.
Protein change: p.Gly2317Arg; replaces glycine 2317 with arginine.
Molecular consequence: missense variant.
Genome position (GRCh38, 1-based): chr1:215,970,633, C>G on the plus strand (G>C on the coding strand, the complement: USH2A is on the minus strand). VCF-style: chr1-215970633-C-G. GRCh37 (hg19) VCF-style: chr1-216143975-C-G.
Other names: short protein forms G2317R.
Identifiers: ClinVar variation 1522781 (VCV001522781.6), dbSNP rs2102458324, ClinGen allele CA344853863.

ClinVar aggregate classification (germline): Likely pathogenic (1 of 4 stars; one submission).

Submission:

Labcorp Genetics (formerly Invitae), Labcorp
Classification: Likely pathogenic. Last evaluated: 2022-09-06. Review status: criteria provided, single submitter. Criteria: Invitae Variant Classification Sherloc (09022015). Collection method: clinical testing. Allele origin: germline.
Comment: In summary, the currently available evidence indicates that the variant is pathogenic, but additional data are needed to prove that conclusively. Therefore, this variant has been classified as Likely Pathogenic. This variant disrupts the p.Gly2317 amino acid residue in USH2A. Other variant(s) that disrupt this residue have been observed in individuals with USH2A-related conditions (PMID: 28512305), which suggests that this may be a clinically significant amino acid residue. Algorithms developed to predict the effect of missense changes on protein structure and function (SIFT, PolyPhen-2, Align-GVGD) all suggest that this variant is likely to be disruptive. ClinVar contains an entry for this variant (Variation ID: 1522781). This missense change has been observed in individual(s) with clinical features of Usher syndrome (Invitae). This variant is not present in population databases (gnomAD no frequency). This sequence change replaces glycine, which is neutral and non-polar, with arginine, which is basic and polar, at codon 2317 of the USH2A protein (p.Gly2317Arg).

Literature cited by the submitters: PubMed 28512305.